The following is an entry in ClinVar:

ClinVar aggregate classification (germline): Pathogenic/Likely pathogenic. Review status: criteria provided, multiple submitters, no conflicts (2 of 4 stars). 4 submissions from 4 submitters: Pathogenic (3); Likely pathogenic (1). Last evaluated 2026-05-28.

Conditions:
Hereditary cancer-predisposing syndrome. Also called: Neoplastic Syndromes, Hereditary; Hereditary Cancer Syndrome; Tumor predisposition; Hereditary neoplastic syndrome. Identifiers: Orphanet 140162, MedGen C0027672, MeSH D009386, MONDO:0015356.
Familial cancer of breast. Also called: Hereditary breast cancer; BREAST CANCER, FAMILIAL; hereditary breast carcinoma. Identifiers: Orphanet 227535, MedGen C0346153, MONDO:0016419, OMIM 114480. Disease mechanism: loss of function.
Ataxia-telangiectasia syndrome (AT). Also called: LOUIS-BAR SYNDROME; Cerebello-oculocutaneous telangiectasia; Immunodeficiency with ataxia telangiectasia; Ataxia-telangiectasia, complementation group D; AT, COMPLEMENTATION GROUP C; Ataxia-telangiectasia, complementation group E. Identifiers: Orphanet 100, MedGen C0004135, MONDO:0008840, OMIM 208900.

Submissions (4):

Ambry Genetics
Classification: Likely pathogenic for Hereditary cancer-predisposing syndrome. Last evaluated: 2026-05-28. Review status: criteria provided, single submitter. Criteria: Ambry Variant Classification Scheme 2023. Collection method: clinical testing. Allele origin: germline.
Comment: The c.9045_9052dupGAAACTGA variant, located in coding exon 62 of the ATM gene, results from a duplication of GAAACTGA at nucleotide position 9045, causing a translational frameshift with a predicted alternate stop codon (p.K3018Rfs*3). This variant occurs at the 3' terminus of the gene, is not expected to trigger nonsense-mediated mRNA decay, and impacts the last 1.3% of the protein. However, premature stop codons are typically deleterious in nature. This variant is considered to be rare based on population cohorts in the Genome Aggregation Database (gnomAD). Based on the majority of available evidence to date, this variant is likely to be pathogenic.

Labcorp Genetics (formerly Invitae), Labcorp
Classification: Pathogenic for Ataxia-telangiectasia syndrome. Last evaluated: 2025-12-07. Review status: criteria provided, single submitter. Criteria: Invitae Variant Classification Sherloc (09022015). Collection method: clinical testing. Allele origin: germline.
Comment: This sequence change creates a premature translational stop signal (p.Lys3018delinsArgAsn*) in the ATM gene. While this is not anticipated to result in nonsense mediated decay, it is expected to disrupt the last 39 amino acid(s) of the ATM protein. This variant is not present in population databases (gnomAD no frequency). This variant has not been reported in the literature in individuals affected with ATM-related conditions. ClinVar contains an entry for this variant (Variation ID: 422796). This variant disrupts a region of the ATM protein in which other variant(s) (p.Arg3047*) have been determined to be pathogenic (PMID: 8755918, 10980530, 18560558, 19431188, 19691550, 26628246). This suggests that this is a clinically significant region of the protein, and that variants that disrupt it are likely to be disease-causing. For these reasons, this variant has been classified as Pathogenic.

Myriad Genetics, Inc.
Classification: Pathogenic for Familial cancer of breast. Last evaluated: 2024-02-06. Review status: criteria provided, single submitter. Criteria: Myriad Autosomal Dominant, Autosomal Recessive and X-Linked Classification Criteria (2023). Collection method: clinical testing. Allele origin: unknown.
Comment: This variant is considered pathogenic. This variant creates a frameshift predicted to result in premature protein truncation.

GeneDx
Classification: Pathogenic. Last evaluated: 2016-12-06. Review status: criteria provided, single submitter. Criteria: GeneDx Variant Classification (06012015). Collection method: clinical testing. Allele origin: germline. Affected: yes.
Comment: This duplication of eight nucleotides in ATM is denoted c.9045_9052dupGAAACTGA at the cDNA level and p.Lys3018ArgfsX3 (K3018RfsX3) at the protein level. The normal sequence, with the bases that are duplicated in brackets, is AAGA[dupGAAACTGA]AAGG. The duplication causes a frameshift which changes a Lysine to an Arginine at codon 3018, and creates a premature stop codon at position 3 of the new reading frame. Even though this frameshift occurs in the last exon of the gene and nonsense-mediated decay is not expected to occur, it is significant since the last 39 amino acids are no longer translated which removes part of the FATC domain (Tavtigian 2009, Stracker 2013). Although this variant has not, to our knowledge, been reported in the literature, it is predicted to cause loss of normal protein function through protein truncation. We consider this variant to be pathogenic.

Literature cited by the submitters: PubMed 8755918 (cited by Labcorp Genetics (formerly Invitae), Labcorp); PubMed 10980530 (cited by Labcorp Genetics (formerly Invitae), Labcorp); PubMed 18560558 (cited by Labcorp Genetics (formerly Invitae), Labcorp); PubMed 19431188 (cited by Labcorp Genetics (formerly Invitae), Labcorp); PubMed 19691550 (cited by Labcorp Genetics (formerly Invitae), Labcorp); PubMed 26628246 (cited by Labcorp Genetics (formerly Invitae), Labcorp).

NM_000051.4(ATM):c.9045_9052dup (p.Lys3018delinsArgAsnTer)

Genes: ATM (ATM serine/threonine kinase; plus strand), C11orf65 (chromosome 11 open reading frame 65; minus strand). Cytogenetic location: 11q22.3.
Variant type: Duplication.
Coding change: c.9045_9052dup on transcript NM_000051.4 (MANE Select); coding-DNA positions 9045 to 9052, 8 bases duplicated (GAAACTGA; older notation c.9045_9052dupGAAACTGA).
Protein change: p.Lys3018delinsArgAsnTer.
Molecular consequence: nonsense. On other transcripts: frameshift variant (1), intron variant (2).
Genome position (GRCh38, 1-based): chr11:108,365,382-108,365,389, GAAACTGA duplicated; duplicating any 8 consecutive bases within chr11:108,365,380-108,365,389 gives the same sequence; the c. name uses the placement nearest the transcript's 3' end. VCF-style (leftmost placement, unchanged base first): chr11-108365379-A-AGAGAAACT. GRCh37 (hg19) VCF-style: chr11-108236106-A-AGAGAAACT.
Other names: c.9045_9052dupGAAACTGA (NM_000051.3); c.9045_9052dup, p.Lys3018delinsArgAsnTer (NM_001351834.2); c.640+20533_640+20540dup (NM_001330368.2); c.694+20533_694+20540dup (NM_001351110.2).
Identifiers: ClinVar variation 422796 (VCV000422796.11), dbSNP rs1555151827, ClinGen allele CA16619271.